The following is an entry in ClinVar:

ClinVar aggregate classification (germline): Uncertain significance (1 of 4 stars; one submission).

Conditions:
Renal coloboma syndrome (PAPRS). Also called: CONGENITAL ANOMALIES OF THE KIDNEY AND URINARY TRACT WITH OR WITHOUT OCULAR ABNORMALITIES; CAKUT WITH OR WITHOUT OCULAR ABNORMALITIES; PAPILLORENAL SYNDROME; COLOBOMA OF OPTIC NERVE WITH RENAL DISEASE; OPTIC COLOBOMA, VESICOURETERAL REFLUX, AND RENAL ANOMALIES; OPTIC NERVE COLOBOMA WITH RENAL DISEASE. Identifiers: Orphanet 1475, MedGen C1852759, MONDO:0007352, OMIM 120330.

Submission:

Victorian Clinical Genetics Services, Murdoch Childrens Research Institute
Classification: Uncertain significance for Renal coloboma syndrome. Last evaluated: 2023-07-17. Review status: criteria provided, single submitter. Criteria: ACMG Guidelines, 2015. Collection method: clinical testing. Allele origin: germline. Inheritance: Autosomal dominant inheritance. Affected: yes.
Comment: Based on the classification scheme VCGS_Germline_v1.3.4, this variant is classified as VUS-3A. Following criteria are met: 0102 - Loss of function is a known mechanism of disease in this gene and is associated with focal segmental glomerulosclerosis (MIM#616002) and papillorenal syndrome (MIM#120330). (I) 0107 - This gene is associated with autosomal dominant disease. While two phenotypes are listed in OMIM, ClinGen has combined these to represent a large phenotypic spectrum. (I) 0115 - Variants in this gene are known to have variable expressivity (PMID: 34696790). (I) 0200 - Variant is predicted to result in a missense amino acid change from glycine to valine. (I) 0251 - This variant is heterozygous. (I) 0301 - Variant is absent from gnomAD (both v2 and v3). (SP) 0501 - Missense variant consistently predicted to be damaging by multiple in silico tools or highly conserved with a major amino acid change. (SP) 0600 - Variant is located in the annotated paired box domain (DECIPHER). (I) 0705 - No comparable missense variants have previous evidence for pathogenicity. (I) 0803 - This variant has limited previous evidence of pathogenicity in a mother-daughter pair with papillorenal syndrome. Phenotypic variability was also noted (PMID: 22213154). (SP) 1007 - No published functional evidence has been identified for this variant. (I) 1208 - Inheritance information for this variant is not currently available in this individual. (I) Legend: (SP) - Supporting pathogenic, (I) - Information, (SB) - Supporting benign

Literature cited by the submitters: PubMed 22213154; PubMed 34696790.

NM_000278.5(PAX2):c.74G>T (p.Gly25Val)

Gene: PAX2 (paired box 2; plus strand). Cytogenetic location: 10q24.31.
Variant type: single nucleotide variant.
Coding change: c.74G>T on transcript NM_000278.5 (MANE Select); coding-DNA position 74, G replaced by T.
Protein change: p.Gly25Val; replaces glycine 25 with valine.
Molecular consequence: missense variant.
Genome position (GRCh38, 1-based): chr10:100,749,776, G>T. VCF-style: chr10-100749776-G-T. GRCh37 (hg19) VCF-style: chr10-102509533-G-T.
Other names: c.167G>T, p.Gly56Val (NM_001304569.2); c.74G>T, p.Gly25Val (NM_003987.5, NM_003988.5, NM_003989.5 and 1 more transcripts); short protein forms G25V, G56V.
Identifiers: ClinVar variation 3254592 (VCV003254592.1), dbSNP rs2492892671.